The following is an entry in ClinVar:

ClinVar aggregate classification (germline): Pathogenic/Likely pathogenic. Review status: criteria provided, multiple submitters, no conflicts (2 of 4 stars). 15 submissions from 15 submitters: Pathogenic (11); Likely pathogenic (1). 3 of the submissions do not count toward it. Last evaluated 2026-01-11.

Conditions:
GSN-related disorders.
Inborn genetic diseases. Identifiers: MedGen C0950123, MeSH D030342.
Finnish type amyloidosis. Also called: AMYLOID CRANIAL NEUROPATHY WITH LATTICE CORNEAL DYSTROPHY; AMYLOIDOSIS DUE TO MUTANT GELSOLIN; AMYLOIDOSIS, HEREDITARY SYSTEMIC 4, FINNISH TYPE; Lattice corneal dystrophy associated with familial systemic amyloidosis; Meretoja's syndrome; Lattice dystrophy of the cornea with hereditary generalized amyloidosis. Identifiers: Orphanet 85448, MedGen C1622345, MONDO:0007097, OMIM 105120.

Allele frequency attached by ClinVar (database versions not stated): gnomAD exomes below 0.00001; TOPMed below 0.00001; gnomAD 0.00001.
gnomAD v4.1: 8 of 1,613,988 alleles (0.0005%); highest among the groups gnomAD compares: Non-Finnish European, 0.00034%; no homozygotes.

Submissions (15):

Labcorp Genetics (formerly Invitae), Labcorp
Classification: Pathogenic. Last evaluated: 2026-01-11. Review status: criteria provided, single submitter. Criteria: Invitae Variant Classification Sherloc (09022015). Collection method: clinical testing. Allele origin: germline.
Comment: This sequence change replaces aspartic acid, which is acidic and polar, with asparagine, which is neutral and polar, at codon 214 of the GSN protein (p.Asp214Asn). This variant is present in population databases (rs121909715, gnomAD 0.008%). This missense change has been observed in individual(s) with Finnish type amyloidosis (PMID: 1652889, 2176164, 22622774, 25342098). It has also been observed to segregate with disease in related individuals. This variant is also known as p.Asp187Asn. ClinVar contains an entry for this variant (Variation ID: 16180). Invitae Evidence Modeling of protein sequence and biophysical properties (such as structural, functional, and spatial information, amino acid conservation, physicochemical variation, residue mobility, and thermodynamic stability) indicates that this missense variant is expected to disrupt GSN protein function with a positive predictive value of 80%. Experimental studies have shown that this missense change affects GSN function (PMID: 29637772). For these reasons, this variant has been classified as Pathogenic.

Mayo Clinic Laboratories, Mayo Clinic
Classification: Pathogenic. Last evaluated: 2025-09-15. Review status: criteria provided, single submitter. Criteria: ACMG Guidelines, 2015. Collection method: clinical testing. Allele origin: germline. Observed: 2 variant alleles.
Comment: PP1_strong, PP4, PS3_supporting, PS4

Human Genome Lab, NIMHANS, National Institute of Mental Health and Neuro Sciences
Classification: Likely pathogenic for Finnish type amyloidosis. Last evaluated: 2025-04-23. Review status: criteria provided, single submitter. Criteria: ACMG Guidelines, 2015. Collection method: clinical testing. Allele origin: germline. Inheritance: Autosomal dominant inheritance. Affected: yes. Observed: 1 heterozygote.
Comment: The genomic variant c.487G>A p.Asp163Asn rs121909715 in the GSN gene is associated with familial amyloidosis Finnish type (FAF), a rare autosomal dominant disorder characterized by the deposition of amyloidogenic fragments derived from the mutant gelsolin protein . The GSN gene encodes gelsolin, an actin-modulating protein that plays a critical role in the assembly and disassembly of actin filaments in the cytoplasm and in plasma . The p.Asp163Asn mutation results in the substitution of an aspartic acid (Asp) with an asparagine (Asn) at the 163rd amino acid position of the gelsolin protein. This mutation is one of two known pathogenic mutations at the same residue, the other being p.Asp163Tyr, both of which lead to the formation of an amyloidogenic fragment through abnormal proteolysis of plasma gelsolin . The aberrant proteolysis occurs at residues 172-173 and a second hydrolysis at residue 243, resulting in the production of the 71-amino acid fragment that forms amyloid fibrils .

Center for Genomic Medicine, Rigshospitalet, Copenhagen University Hospital
Classification: Pathogenic. Last evaluated: 2025-03-04. Review status: criteria provided, single submitter. Criteria: ACMG Guidelines, 2015. Collection method: clinical testing. Allele origin: germline.

Blueprint Genetics
Classification: Pathogenic for GSN-related disorders. Last evaluated: 2024-10-26. Review status: criteria provided, single submitter. Criteria: ACMG Guidelines, 2015. Collection method: clinical testing. Allele origin: germline. Affected: yes. Observed: 5 variant alleles.

3billion
Classification: Pathogenic for Finnish type amyloidosis. Last evaluated: 2024-08-27. Review status: criteria provided, single submitter. Criteria: ACMG Guidelines, 2015. Collection method: clinical testing. Allele origin: germline. Affected: yes.
Comment: The variant is observed at an extremely low frequency in the gnomAD v4.0.0 dataset (total allele frequency: <0.001%). Predicted Consequence/Location: Missense changes are a common disease-causing mechanism. In silico tool predictions suggest damaging effect of the variant on gene or gene product [3Cnet: 0.99 (>=0.6, sensitivity 0.72 and precision 0.9)]. The same nucleotide change resulting in the same amino acid change has been previously reported as pathogenic/likely pathogenic with strong evidence (ClinVar ID: VCV000016180 /PMID: 2176164).A different missense change at the same codon (p.Asp163Tyr) has been reported as pathogenic/likely pathogenic with strong evidence (ClinVar ID: VCV000016181 /PMID: 1338910 /3billion dataset). Therefore, this variant is classified as Pathogenic according to the recommendation of ACMG/AMP guideline.

Fulgent Genetics
Classification: Pathogenic for Finnish type amyloidosis. Last evaluated: 2024-04-10. Review status: criteria provided, single submitter. Criteria: ACMG Guidelines, 2015. Collection method: clinical testing. Allele origin: germline.

Genetics and Molecular Pathology, SA Pathology
Classification: Pathogenic for Finnish type amyloidosis. Last evaluated: 2021-08-23. Review status: criteria provided, single submitter. Criteria: ACMG Guidelines, 2015. Collection method: clinical testing. Allele origin: germline. Affected: yes.

Ambry Genetics
Classification: Pathogenic for Inborn genetic diseases. Last evaluated: 2019-12-30. Review status: criteria provided, single submitter. Criteria: Ambry Variant Classification Scheme 2023. Collection method: clinical testing. Allele origin: germline.
Comment: The p.D214N pathogenic mutation (also known as c.640G>A), located in coding exon 4 of the GSN gene, results from a G to A substitution at nucleotide position 640. The aspartic acid at codon 214 is replaced by asparagine, an amino acid with highly similar properties. This alteration co-segregated with disease in multiple unrelated families (Paunio T et al. Hum. Mutat., 1995;6:60-5). The p.D214N alteration, also referred to a p.D187N in the literature, is the most common disease-causing alteration for Finnish type amyloidosis (Maury CP et al. FEBS Lett., 1990 Dec;276:75-7; Sagnelli A et al. J. Peripher. Nerv. Syst., 2017 03;22:59-63; Lucero Sa&aacute; F et al. Case Rep Ophthalmol, 2017 Aug;8:446-451; Mustonen T et al. Eur. J. Hum. Genet., 2018 01;26:117-123). Functional analysis demonstrated that the p.D214N alteration triggers the proteolytic pathway producing amyloidogenic fragments (Srivastava A et al. Biochemistry, 2018 04;57:2359-2372). Fragmentation patterns of the gelsolin peptide analogs in the circulation of patients with Finnish familial amyloidosis showed that the D187N substitution in gelsolin creates a conformation that is highly fibrillogenic (Maury CP et al. Amyloid, 2003 Aug;10 Suppl 1:21-5). Based on the supporting evidence, this alteration is interpreted as a disease-causing mutation.

CeGaT Center for Human Genetics Tuebingen
Classification: Pathogenic. Last evaluated: 2019-01-01. Review status: criteria provided, single submitter. Criteria: CeGaT Center For Human Genetics Tuebingen Variant Classification Criteria Version 2. Collection method: clinical testing. Allele origin: germline. Affected: yes. Observed: 2 variant alleles.

Institute of Human Genetics Munich, TUM University Hospital
Classification: Pathogenic for Finnish type amyloidosis. Last evaluated: 2018-02-07. Review status: criteria provided, single submitter. Criteria: Classification criteria August 2017. Collection method: clinical testing. Allele origin: germline. Inheritance: Autosomal dominant inheritance. Affected: yes. Observed: 1 heterozygote.

GeneDx
Classification: Pathogenic. Last evaluated: 2017-04-13. Review status: criteria provided, single submitter. Criteria: GeneDx Variant Classification (06012015). Collection method: clinical testing. Allele origin: germline. Affected: yes.
Comment: The D214N variant in the GSN gene has been reported multiple times, as D187N due to the use of alternative nomenclature, in association with familial amyloidosis (Maury et al., 1990; Levy et al., 1990; Hiltunen et al., 1991; Gorevic et al., 1991; de la Chapelle et al., 1992). The D214N variant is not observed in large population cohorts (Lek et al., 2016; 1000 Genomes Consortium et al., 2015; Exome Variant Server). The D214N variant is a semi-conservative amino acid substitution, which may impact secondary protein structure as these residues differ in some properties. This substitution occurs at a position that is conserved across species, and in silico analysis predicts this variant is probably damaging to the protein structure/function. We interpret D214N as a pathogenic variant.

OMIM
Classification: Pathogenic for AMYLOIDOSIS, FINNISH TYPE. Last evaluated: 2002-01-01. Review status: no assertion criteria provided. Collection method: literature only. Allele origin: germline. Not counted in ClinVar's aggregate classification.

Diagnostic Laboratory, Department of Genetics, University Medical Center Groningen
Classification: Pathogenic. Review status: no assertion criteria provided. Collection method: clinical testing. Allele origin: germline. Affected: yes. Study: VKGL Data-share Consensus. Not counted in ClinVar's aggregate classification.

Genome Diagnostics Laboratory, University Medical Center Utrecht
Classification: Pathogenic. Review status: no assertion criteria provided. Collection method: clinical testing. Allele origin: germline. Affected: yes. Study: VKGL Data-share Consensus. Not counted in ClinVar's aggregate classification.

Literature cited by the submitters: PubMed 1652889 (cited by 3 submitters); PubMed 2176164 (cited by 4 submitters); PubMed 22622774 (cited by Labcorp Genetics (formerly Invitae), Labcorp); PubMed 25342098 (cited by Labcorp Genetics (formerly Invitae), Labcorp and Mayo Clinic Laboratories, Mayo Clinic); PubMed 29637772 (cited by 4 submitters); PubMed 14639586 (cited by Mayo Clinic Laboratories, Mayo Clinic); PubMed 19337156 (cited by Mayo Clinic Laboratories, Mayo Clinic); PubMed 21103842 (cited by Mayo Clinic Laboratories, Mayo Clinic); PubMed 21480154 (cited by Mayo Clinic Laboratories, Mayo Clinic); PubMed 24801599 (cited by Mayo Clinic Laboratories, Mayo Clinic); PubMed 27982499 (cited by Mayo Clinic Laboratories, Mayo Clinic and Ambry Genetics); PubMed 28924445 (cited by Mayo Clinic Laboratories, Mayo Clinic and Ambry Genetics); PubMed 29167514 (cited by Mayo Clinic Laboratories, Mayo Clinic and Ambry Genetics); PubMed 33394347 (cited by Mayo Clinic Laboratories, Mayo Clinic); PubMed 35241298 (cited by Mayo Clinic Laboratories, Mayo Clinic); PubMed 35985662 (cited by Mayo Clinic Laboratories, Mayo Clinic); PubMed 36114141 (cited by Mayo Clinic Laboratories, Mayo Clinic); PubMed 36379630 (cited by Mayo Clinic Laboratories, Mayo Clinic); PubMed 37140928 (cited by Mayo Clinic Laboratories, Mayo Clinic); PubMed 37330746 (cited by Mayo Clinic Laboratories, Mayo Clinic); PubMed 38619860 (cited by Mayo Clinic Laboratories, Mayo Clinic); PubMed 30698126 (cited by Center for Genomic Medicine, Rigshospitalet, Copenhagen University Hospital); PubMed 33973672 (cited by Center for Genomic Medicine, Rigshospitalet, Copenhagen University Hospital and OMIM); PubMed 21040581 (cited by Center for Genomic Medicine, Rigshospitalet, Copenhagen University Hospital); PubMed 26439960 (cited by Center for Genomic Medicine, Rigshospitalet, Copenhagen University Hospital); PubMed 1338910 (cited by 3billion and OMIM); PubMed 14640038 (cited by Ambry Genetics); PubMed 7550233 (cited by Ambry Genetics and OMIM); PubMed 1849145 (cited by OMIM); PubMed 2176481 (cited by OMIM); PubMed 2175344 (cited by OMIM); PubMed 1322360 (cited by OMIM); PubMed 2176550 (cited by OMIM); PubMed 4543600 (cited by OMIM); PubMed 1322359 (cited by OMIM); PubMed 6975851 (cited by OMIM); PubMed 8395367 (cited by OMIM); PubMed 1658654 (cited by OMIM); PubMed 6610849 (cited by OMIM); PubMed 1311149 (cited by OMIM); PubMed 1315718 (cited by OMIM); PubMed 8388189 (cited by OMIM); PubMed 7868127 (cited by OMIM); PubMed 11754099 (cited by OMIM).

NM_198252.3(GSN):c.487G>A (p.Asp163Asn)

Gene: GSN (gelsolin; plus strand). Cytogenetic location: 9q33.2.
Variant type: single nucleotide variant.
Coding change: c.487G>A on transcript NM_198252.3 (MANE Select); coding-DNA position 487, G replaced by A.
Protein change: p.Asp163Asn; replaces aspartic acid 163 with asparagine.
Molecular consequence: missense variant. On other transcripts: 5 prime UTR variant (1).
Genome position (GRCh38, 1-based): chr9:121,310,819, G>A. VCF-style: chr9-121310819-G-A. GRCh37 (hg19) VCF-style: chr9-124073097-G-A.
Other names: p.Asp163Asn; c.640G>A, p.Asp214Asn (NM_000177.5); c.487G>A, p.Asp163Asn (NM_001127662.2, NM_001127664.2, NM_001127665.2 and 10 more transcripts); c.595G>A, p.Asp199Asn (NM_001127663.2); c.520G>A, p.Asp174Asn (NM_001127666.2, NM_001127667.2, NM_001353066.2 and 13 more transcripts); c.538G>A, p.Asp180Asn (NM_001258029.2); c.511G>A, p.Asp171Asn (NM_001258030.2); c.559G>A, p.Asp187Asn (NM_001353076.2); and 1 more; short protein forms D187N, D174N, D214N, D180N, D171N, D163N, D199N.
Identifiers: ClinVar variation 16180 (VCV000016180.74), dbSNP rs121909715, ClinGen allele CA250652.